The following is an entry in ClinVar:

NM_002539.3(ODC1):c.1161C>T (p.Gly387=)

Gene: ODC1 (ornithine decarboxylase 1; minus strand). Cytogenetic location: 2p25.1.
Variant type: single nucleotide variant.
Coding change: c.1161C>T on transcript NM_002539.3 (MANE Select); coding-DNA position 1161, C replaced by T.
Protein change: p.Gly387=; no amino-acid change (glycine 387 retained).
Molecular consequence: synonymous variant.
Genome position (GRCh38, 1-based): chr2:10,441,589, G>A on the plus strand (C>T on the coding strand, the complement: ODC1 is on the minus strand). VCF-style: chr2-10441589-G-A. GRCh37 (hg19) VCF-style: chr2-10581715-G-A.
Other names: c.774C>T, p.Gly258= (NM_001287188.2); c.1161C>T, p.Gly387= (NM_001287189.2, NM_001287190.2).
Identifiers: ClinVar variation 2650671 (VCV002650671.24), dbSNP rs753071023, ClinGen allele CA1526759.
Genomic context (GRCh38, chr2:10,441,589, plus strand): 5'-ATAGTAGATCGTCGGCCTCTGGAAGCCATTGAACGTAGAGGCAGCAGCAACAGTGTAAGC[G>A]CCCATGTTTTCAAAGAGCATCCAATCACCCACATGCATTTCAGGCAGGTCACAGCGCTCA-3'
Protein context (NP_002530.1, residues 377-397): VGDWMLFENM[Gly387=]AYTVAAASTF

ClinVar aggregate classification (germline): Likely benign (1 of 4 stars; one submission).

Allele frequency attached by ClinVar (database versions not stated): ExAC 0.00003; gnomAD exomes 0.00004.
gnomAD v4.1: 57 of 1,614,150 alleles (0.0035%); highest among the groups gnomAD compares: Non-Finnish European, 0.0045%; no homozygotes.

Submission:

CeGaT Center for Human Genetics Tuebingen
Classification: Likely benign. Last evaluated: 2023-04-01. Review status: criteria provided, single submitter. Criteria: CeGaT Center For Human Genetics Tuebingen Variant Classification Criteria Version 2. Collection method: clinical testing. Allele origin: germline. Affected: yes. Observed: 1 variant allele.
Comment: ODC1: BP4, BP7